The following is an entry in ClinVar:

NM_004239.4(TRIP11):c.4205A>G (p.Gln1402Arg)

Gene: TRIP11 (thyroid hormone receptor interactor 11; minus strand). Cytogenetic location: 14q32.12.
Variant type: single nucleotide variant.
Coding change: c.4205A>G on transcript NM_004239.4 (MANE Select); coding-DNA position 4205, A replaced by G.
Protein change: p.Gln1402Arg; replaces glutamine 1402 with arginine.
Molecular consequence: missense variant.
Genome position (GRCh38, 1-based): chr14:92,003,771, T>C on the plus strand (A>G on the coding strand, the complement: TRIP11 is on the minus strand). VCF-style: chr14-92003771-T-C. GRCh37 (hg19) VCF-style: chr14-92470115-T-C.
Other names: c.4202A>G, p.Gln1401Arg (NM_001321851.1); short protein forms Q1402R, Q1401R.
Identifiers: ClinVar variation 841378 (VCV000841378.9), dbSNP rs1407474606, ClinGen allele CA390650200.
Genomic context (GRCh38, chr14:92,003,771, plus strand): 5'-TGATCACTTTTGGCTTTGATTAAGAGGTCTTTTTCCTTAAGTAACTTTTGCAAAACATCT[T>C]GTTTCTCCTTTAGCTGCTTGATTTCTGAATCGGTTTGTTCGTGTTCTTTTCTTTCTAGCT-3'
Protein context (NP_004230.2, residues 1392-1412): DSEIKQLKEK[Gln1402Arg]DVLQKLLKEK

ClinVar aggregate classification (germline): Uncertain significance (1 of 4 stars; one submission).

Conditions:
Achondrogenesis, type IA (ACG1A). Identifiers: Orphanet 932, Orphanet 93299, MedGen C0265273, MONDO:0008701, OMIM 200600.

Allele frequency attached by ClinVar (database versions not stated): gnomAD 0.00001; gnomAD exomes 0.00001; TOPMed 0.00001.

Submission:

Labcorp Genetics (formerly Invitae), Labcorp
Classification: Uncertain significance for Achondrogenesis, type IA. Last evaluated: 2022-10-17. Review status: criteria provided, single submitter. Criteria: Invitae Variant Classification Sherloc (09022015). Collection method: clinical testing. Allele origin: germline.
Comment: This variant is present in population databases (no rsID available, gnomAD 0.007%). This sequence change replaces glutamine, which is neutral and polar, with arginine, which is basic and polar, at codon 1402 of the TRIP11 protein (p.Gln1402Arg). This variant has not been reported in the literature in individuals affected with TRIP11-related conditions. In summary, the available evidence is currently insufficient to determine the role of this variant in disease. Therefore, it has been classified as a Variant of Uncertain Significance. Advanced modeling of protein sequence and biophysical properties (such as structural, functional, and spatial information, amino acid conservation, physicochemical variation, residue mobility, and thermodynamic stability) performed at Invitae indicates that this missense variant is not expected to disrupt TRIP11 protein function. ClinVar contains an entry for this variant (Variation ID: 841378).